The following is an entry in ClinVar:

ClinVar aggregate classification (germline): Uncertain significance (1 of 4 stars; one submission).

Submission:

GeneDx
Classification: Uncertain significance. Last evaluated: 2022-01-20. Review status: criteria provided, single submitter. Criteria: GeneDx Variant Classification Process June 2021. Collection method: clinical testing. Allele origin: germline. Affected: yes.
Comment: Not observed at significant frequency in large population cohorts (gnomAD); In silico analysis supports that this missense variant does not alter protein structure/function; Has not been previously published as pathogenic or benign to our knowledge

NM_057175.5(NAA15):c.806A>G (p.Lys269Arg)

Gene: NAA15 (N-alpha-acetyltransferase 15, NatA auxiliary subunit; plus strand). Cytogenetic location: 4q31.1.
Variant type: single nucleotide variant.
Coding change: c.806A>G on transcript NM_057175.5 (MANE Select); coding-DNA position 806, A replaced by G.
Protein change: p.Lys269Arg; replaces lysine 269 with arginine.
Molecular consequence: missense variant.
Genome position (GRCh38, 1-based): chr4:139,349,576, A>G. VCF-style: chr4-139349576-A-G. GRCh37 (hg19) VCF-style: chr4-140270730-A-G.
Other names: short protein forms K269R.
Identifiers: ClinVar variation 1698136 (VCV001698136.2), dbSNP rs2110930372, ClinGen allele CA358261152.